The following is an entry in ClinVar:

NM_004320.6(ATP2A1):c.2584G>A (p.Gly862Arg)

Gene: ATP2A1 (ATPase sarcoplasmic/endoplasmic reticulum Ca2+ transporting 1; plus strand). Cytogenetic location: 16p11.2.
Variant type: single nucleotide variant.
Coding change: c.2584G>A on transcript NM_004320.6 (MANE Select); coding-DNA position 2584, G replaced by A.
Protein change: p.Gly862Arg; replaces glycine 862 with arginine.
Molecular consequence: missense variant.
Genome position (GRCh38, 1-based): chr16:28,902,639, G>A. VCF-style: chr16-28902639-G-A. GRCh37 (hg19) VCF-style: chr16-28913960-G-A.
Other names: c.2209G>A, p.Gly737Arg (NM_001286075.2); c.2584G>A, p.Gly862Arg (NM_173201.5); c.2584G>A (NM_173201.4); short protein forms G737R, G862R.
Identifiers: ClinVar variation 1051540 (VCV001051540.10), dbSNP rs1017066759, ClinGen allele CA279244300.

ClinVar aggregate classification (germline): Uncertain significance. Review status: criteria provided, multiple submitters, no conflicts (2 of 4 stars). 2 submissions from 2 submitters: Uncertain significance (2). Last evaluated 2024-04-23.

Conditions:
Brody myopathy. Also called: BRODY DISEASE. Identifiers: Orphanet 53347, MedGen C1832918, MONDO:0010977, OMIM 601003.

Allele frequency attached by ClinVar (database versions not stated): gnomAD exomes below 0.00001; gnomAD 0.00001; TOPMed 0.00002.
gnomAD v4.1: 4 of 1,613,934 alleles (0.00025%); highest among the groups gnomAD compares: Admixed American, 0.005%; no homozygotes.

Submissions (2):

Revvity Omics, Revvity
Classification: Uncertain significance for Brody myopathy. Last evaluated: 2024-04-23. Review status: criteria provided, single submitter. Criteria: ACMG Guidelines, 2015. Collection method: clinical testing. Allele origin: germline.

Labcorp Genetics (formerly Invitae), Labcorp
Classification: Uncertain significance for Brody myopathy. Last evaluated: 2022-03-09. Review status: criteria provided, single submitter. Criteria: Invitae Variant Classification Sherloc (09022015). Collection method: clinical testing. Allele origin: germline.
Comment: This variant has not been reported in the literature in individuals affected with ATP2A1-related conditions. In summary, the available evidence is currently insufficient to determine the role of this variant in disease. Therefore, it has been classified as a Variant of Uncertain Significance. Algorithms developed to predict the effect of missense changes on protein structure and function are either unavailable or do not agree on the potential impact of this missense change (SIFT: "Deleterious"; PolyPhen-2: "Probably Damaging"; Align-GVGD: "Class C15"). ClinVar contains an entry for this variant (Variation ID: 1051540). This variant is present in population databases (no rsID available, gnomAD 0.003%). This sequence change replaces glycine, which is neutral and non-polar, with arginine, which is basic and polar, at codon 862 of the ATP2A1 protein (p.Gly862Arg).